The following is an entry in ClinVar:

ClinVar aggregate classification (germline): Uncertain significance. Review status: criteria provided, multiple submitters, no conflicts (2 of 4 stars). 3 submissions from 3 submitters: Uncertain significance (3). Last evaluated 2025-08-29.

Conditions:
Long QT syndrome (LQTS). Identifiers: MedGen C0023976, MeSH D008133, MONDO:0002442. Disease mechanism: loss of function. Inheritance: Various modes of inheritance.
AKAP9-related disorder. Also called: AKAP9-related condition.
Cardiovascular phenotype. Identifiers: MedGen CN230736.

Allele frequency attached by ClinVar (database versions not stated): gnomAD exomes 0.00001.

Submissions (3):

PreventionGenetics, part of Exact Sciences
Classification: Uncertain significance for AKAP9-related condition. Last evaluated: 2025-08-29. Review status: criteria provided, single submitter. Criteria: ACMG Guidelines, 2015. Collection method: clinical testing. Allele origin: germline.
Comment: The AKAP9 c.4970T>C variant is predicted to result in the amino acid substitution p.Leu1657Ser. To our knowledge, this variant has not been reported in the literature or in a large population database (gnomAD), indicating this variant is rare. At this time, the clinical significance of this variant is uncertain due to the absence of conclusive functional and genetic evidence.

Ambry Genetics
Classification: Uncertain significance for Cardiovascular phenotype. Last evaluated: 2022-04-19. Review status: criteria provided, single submitter. Criteria: Ambry Variant Classification Scheme 2023. Collection method: clinical testing. Allele origin: germline.
Comment: The p.L1657S variant (also known as c.4970T>C), located in coding exon 19 of the AKAP9 gene, results from a T to C substitution at nucleotide position 4970. The leucine at codon 1657 is replaced by serine, an amino acid with dissimilar properties. This amino acid position is conserved. In addition, this alteration is predicted to be tolerated by in silico analysis. The evidence for this gene-disease relationship is limited; therefore, the clinical significance of this alteration is unclear.

Labcorp Genetics (formerly Invitae), Labcorp
Classification: Uncertain significance for Long QT syndrome. Last evaluated: 2022-03-20. Review status: criteria provided, single submitter. Criteria: Invitae Variant Classification Sherloc (09022015). Collection method: clinical testing. Allele origin: germline.
Comment: In summary, the available evidence is currently insufficient to determine the role of this variant in disease. Therefore, it has been classified as a Variant of Uncertain Significance. Algorithms developed to predict the effect of missense changes on protein structure and function are either unavailable or do not agree on the potential impact of this missense change (SIFT: "Deleterious"; PolyPhen-2: "Probably Damaging"; Align-GVGD: "Class C0"). This variant has not been reported in the literature in individuals affected with AKAP9-related conditions. This variant is not present in population databases (gnomAD no frequency). This sequence change replaces leucine, which is neutral and non-polar, with serine, which is neutral and polar, at codon 1657 of the AKAP9 protein (p.Leu1657Ser).

NM_005751.5(AKAP9):c.4970T>C (p.Leu1657Ser)

Genes: AKAP9 (A-kinase anchoring protein 9; plus strand), LOC121175350 (Sharpr-MPRA regulatory region 2641; plus strand). Cytogenetic location: 7q21.2.
Variant type: single nucleotide variant.
Coding change: c.4970T>C on transcript NM_005751.5 (MANE Select); coding-DNA position 4970, T replaced by C.
Protein change: p.Leu1657Ser; replaces leucine 1657 with serine.
Molecular consequence: missense variant.
Genome position (GRCh38, 1-based): chr7:92,042,098, T>C. VCF-style: chr7-92042098-T-C. GRCh37 (hg19) VCF-style: chr7-91671412-T-C.
Other names: c.4970T>C, p.Leu1657Ser (NM_147185.3); short protein forms L1657S.
Identifiers: ClinVar variation 1744466 (VCV001744466.8), dbSNP rs1806209054, ClinGen allele CA368129997.